The following is an entry in ClinVar:

ClinVar aggregate classification (germline): Uncertain significance. Review status: criteria provided, multiple submitters, no conflicts (2 of 4 stars). 2 submissions from 2 submitters: Uncertain significance (2). Last evaluated 2025-07-01.

gnomAD v4.1: 2 of 1,548,178 alleles (0.00013%); highest among the groups gnomAD compares: East Asian, 0.0049%; no homozygotes.

Submissions (2):

GeneDx
Classification: Uncertain significance. Last evaluated: 2025-07-01. Review status: criteria provided, single submitter. Criteria: GeneDx Variant Classification Process June 2021. Collection method: clinical testing. Allele origin: germline. Affected: yes.
Comment: Not observed at significant frequency in large population cohorts (gnomAD); In silico analysis supports that this missense variant has a deleterious effect on protein structure/function; Has not been previously published as pathogenic or benign to our knowledge

Mayo Clinic Laboratories, Mayo Clinic
Classification: Uncertain significance. Last evaluated: 2025-03-17. Review status: criteria provided, single submitter. Criteria: ACMG Guidelines, 2015. Collection method: clinical testing. Allele origin: germline. Observed: 1 variant allele.
Comment: PM2_moderate

NM_001145026.2(PTPRQ):c.2573C>G (p.Pro858Arg)

Gene: PTPRQ (protein tyrosine phosphatase receptor type Q; plus strand). Cytogenetic location: 12q21.31.
Variant type: single nucleotide variant.
Coding change: c.2573C>G on transcript NM_001145026.2 (MANE Select); coding-DNA position 2573, C replaced by G.
Protein change: p.Pro858Arg; replaces proline 858 with arginine.
Molecular consequence: missense variant.
Genome position (GRCh38, 1-based): chr12:80,510,338, C>G. VCF-style: chr12-80510338-C-G. GRCh37 (hg19) VCF-style: chr12-80904117-C-G.
Other names: p.Pro858Arg; c.2573C>G (NM_001145026.1); short protein forms P858R.
Identifiers: ClinVar variation 4541737 (VCV004541737.1).